The following is an entry in ClinVar:

NM_001020658.2(PUM1):c.905G>A (p.Cys302Tyr)

Gene: PUM1 (pumilio RNA binding family member 1; minus strand). Cytogenetic location: 1p35.2.
Variant type: single nucleotide variant.
Coding change: c.905G>A on transcript NM_001020658.2 (MANE Select); coding-DNA position 905, G replaced by A.
Protein change: p.Cys302Tyr; replaces cysteine 302 with tyrosine.
Molecular consequence: missense variant.
Genome position (GRCh38, 1-based): chr1:30,992,643, C>T on the plus strand (G>A on the coding strand, the complement: PUM1 is on the minus strand). VCF-style: chr1-30992643-C-T. GRCh37 (hg19) VCF-style: chr1-31465490-C-T.
Other names: c.905G>A, p.Cys302Tyr (NM_014676.3); short protein forms C302Y.
Identifiers: ClinVar variation 1305437 (VCV001305437.2), dbSNP rs1178298297, ClinGen allele CA339569391.

ClinVar aggregate classification (germline): Uncertain significance (1 of 4 stars; one submission).

Allele frequency attached by ClinVar (database versions not stated): gnomAD exomes below 0.00001 and 0.00001; TOPMed below 0.00001; gnomAD 0.00001.
gnomAD v4.1: 23 of 1,613,422 alleles (0.0014%); highest among the groups gnomAD compares: Non-Finnish European, 0.0017%; no homozygotes.

Submission:

GeneDx
Classification: Uncertain significance. Last evaluated: 2019-05-07. Review status: criteria provided, single submitter. Criteria: GeneDx Variant Classification Process June 2021. Collection method: clinical testing. Allele origin: germline. Affected: yes.
Comment: In silico analysis, which includes protein predictors and evolutionary conservation, supports that this variant does not alter protein structure/function; Has not been previously published as pathogenic or benign to our knowledge